The following is an entry in ClinVar:

NM_003664.5(AP3B1):c.3188A>G (p.Lys1063Arg)

Gene: AP3B1 (adaptor related protein complex 3 subunit beta 1; minus strand). Cytogenetic location: 5q14.1.
Variant type: single nucleotide variant.
Coding change: c.3188A>G on transcript NM_003664.5 (MANE Select); coding-DNA position 3188, A replaced by G.
Protein change: p.Lys1063Arg; replaces lysine 1063 with arginine.
Molecular consequence: missense variant.
Genome position (GRCh38, 1-based): chr5:78,002,999, T>C on the plus strand (A>G on the coding strand, the complement: AP3B1 is on the minus strand). VCF-style: chr5-78002999-T-C. GRCh37 (hg19) VCF-style: chr5-77298823-T-C.
Other names: c.3041A>G, p.Lys1014Arg (NM_001271769.2); short protein forms K1063R, K1014R.
Identifiers: ClinVar variation 2121326 (VCV002121326.1), dbSNP rs2478796267, ClinGen allele CA360332554.

ClinVar aggregate classification (germline): Uncertain significance (1 of 4 stars; one submission).

Conditions:
Hermansky-Pudlak syndrome 2 (HPS2). Also called: Platelet defects and oculocutaneous albinism. Identifiers: Orphanet 183678, Orphanet 79430, MedGen C1842362, MONDO:0011997, OMIM 608233.

Submission:

Labcorp Genetics (formerly Invitae), Labcorp
Classification: Uncertain significance for Hermansky-Pudlak syndrome 2. Last evaluated: 2022-04-04. Review status: criteria provided, single submitter. Criteria: Invitae Variant Classification Sherloc (09022015). Collection method: clinical testing. Allele origin: germline.
Comment: This sequence change replaces lysine, which is basic and polar, with arginine, which is basic and polar, at codon 1063 of the AP3B1 protein (p.Lys1063Arg). This variant is not present in population databases (gnomAD no frequency). This variant has not been reported in the literature in individuals affected with AP3B1-related conditions. Algorithms developed to predict the effect of missense changes on protein structure and function are either unavailable or do not agree on the potential impact of this missense change (SIFT: "Deleterious"; PolyPhen-2: "Benign"; Align-GVGD: "Class C0"). In summary, the available evidence is currently insufficient to determine the role of this variant in disease. Therefore, it has been classified as a Variant of Uncertain Significance.